The following is an entry in ClinVar:

NM_001370658.1(BTD):c.523A>G (p.Asn175Asp)

Gene: BTD (biotinidase; plus strand). Cytogenetic location: 3p25.1.
Variant type: single nucleotide variant.
Coding change: c.523A>G on transcript NM_001370658.1 (MANE Select); coding-DNA position 523, A replaced by G.
Protein change: p.Asn175Asp; replaces asparagine 175 with aspartic acid.
Molecular consequence: missense variant. On other transcripts: intron variant (1).
Genome position (GRCh38, 1-based): chr3:15,644,439, A>G. VCF-style: chr3-15644439-A-G. GRCh37 (hg19) VCF-style: chr3-15685946-A-G.
Other names: c.523A>G, p.Asn175Asp (NM_001407376.1, NM_001407377.1, NM_001407378.1 and 18 more transcripts); c.399+2382A>G (NM_001370753.1); c.583A>G, p.Asn195Asp (NM_000060.4); short protein forms N175D.
Identifiers: ClinVar variation 25021 (VCV000025021.25), dbSNP rs397514370, ClinGen allele CA278225.

ClinVar aggregate classification (germline): Pathogenic/Likely pathogenic. Review status: criteria provided, multiple submitters, no conflicts (2 of 4 stars). 7 submissions from 7 submitters: Pathogenic (1); Likely pathogenic (5). 1 of the submissions does not count toward it. Last evaluated 2026-05-03.

Conditions:
BTD-related disorder. Also called: BTD-related condition.
Biotinidase deficiency. Also called: BTD deficiency; Late-onset biotin-responsive multiple carboxylase deficiency; Biotin deficiency. Identifiers: Orphanet 79241, MedGen C0220754, MONDO:0009665, OMIM 253260.

Allele frequency attached by ClinVar (database versions not stated): gnomAD 0.00001; TOPMed 0.00002.
gnomAD v4.1: 1 of 1,614,050 alleles (0.000062%); highest among the groups gnomAD compares: African/African-American, 0.0013%; no homozygotes.

Submissions (7):

PreventionGenetics, part of Exact Sciences
Classification: Likely pathogenic for BTD-related condition. Last evaluated: 2026-05-03. Review status: criteria provided, single submitter. Criteria: ACMG Guidelines, 2015. Collection method: clinical testing. Allele origin: germline.
Comment: The BTD c.583A>G variant is predicted to result in the amino acid substitution p.Asn195Asp. This variant has been reported in the homozygous state and in the heterozygous state along with a second pathogenic variant in individuals with profound biotinidase deficiency (Wolf et al. 2002. PubMed ID: 11865279). An alternate missense change at the same amino acid position (p.Asn195Ser) has been reported in individuals with biotinidase deficiency (Milánkovics et al. 2006. PubMed ID: 17185019). This variant has not been reported in a large population database (gnomAD), indicating this variant is rare. This variant is interpreted as likely pathogenic.

Natera, Inc.
Classification: Likely pathogenic for Biotinidase deficiency. Last evaluated: 2025-12-11. Review status: criteria provided, single submitter. Criteria: Natera Variant Classification Schema (03/2026). Collection method: clinical testing. Allele origin: germline.
Comment: The c.523A>G variant in BTD is a missense variant predicted to cause substitution of asparagine to aspartic acid at amino acid 175. This variant is rare in the general population with a frequency below the threshold expected for the associated phenotype(s). This variant has been observed in one or more individuals affected with the associated recessive disease, as either homozygous or compound heterozygous with a second variant (PMID: 11865279). Computational prediction algorithms indicate this variant is likely to affect gene or protein function. Given the available evidence, this variant is classified as Likely Pathogenic.

Women's Health and Genetics/Laboratory Corporation of America, LabCorp
Classification: Likely pathogenic for Biotinidase deficiency. Last evaluated: 2025-07-23. Review status: criteria provided, single submitter. Criteria: LabCorp Variant Classification Summary - May 2015. Collection method: clinical testing. Allele origin: germline.
Comment: Variant summary: BTD c.523A>G (p.Asn175Asp) results in a conservative amino acid change in the encoded protein sequence. Algorithms developed to predict the effect of missense changes on protein structure and function are either unavailable or do not agree on the potential impact of this missense change. The variant was absent in 251454 control chromosomes. c.523A>G has been observed in individuals affected with Biotinidase Deficiency (e.g. Pomponio_1997, Wolf_2002). These data indicate that the variant may be associated with disease. At least one publication reports experimental evidence evaluating BTD enzyme activity in a homozygous patient and found it to be <10% of normal serum enzyme activity, suggesting the variant impairs enzyme function (Wolf_2002). The following publications have been ascertained in the context of this evaluation (PMID: 9396567, 11865279). ClinVar contains an entry for this variant (Variation ID: 25021). Based on the evidence outlined above, the variant was classified as likely pathogenic.

Fulgent Genetics
Classification: Likely pathogenic for Biotinidase deficiency. Last evaluated: 2024-02-05. Review status: criteria provided, single submitter. Criteria: ACMG Guidelines, 2015. Collection method: clinical testing. Allele origin: germline.

Labcorp Genetics (formerly Invitae), Labcorp
Classification: Pathogenic for Biotinidase deficiency. Last evaluated: 2022-04-16. Review status: criteria provided, single submitter. Criteria: Invitae Variant Classification Sherloc (09022015). Collection method: clinical testing. Allele origin: germline.
Comment: For these reasons, this variant has been classified as Pathogenic. This variant disrupts the p.Asn195 amino acid residue in BTD. Other variant(s) that disrupt this residue have been observed in individuals with BTD-related conditions (PMID: 17185019), which suggests that this may be a clinically significant amino acid residue. Algorithms developed to predict the effect of missense changes on protein structure and function are either unavailable or do not agree on the potential impact of this missense change (SIFT: "Deleterious"; PolyPhen-2: "Probably Damaging"; Align-GVGD: "Class C15"). ClinVar contains an entry for this variant (Variation ID: 25021). This missense change has been observed in individual(s) with biotinidase deficiency (PMID: 9396567, 11865279). This variant is not present in population databases (gnomAD no frequency). This sequence change replaces asparagine, which is neutral and polar, with aspartic acid, which is acidic and polar, at codon 195 of the BTD protein (p.Asn195Asp).

Eurofins Ntd Llc (ga)
Classification: Likely pathogenic. Last evaluated: 2018-01-03. Review status: criteria provided, single submitter. Criteria: EGL Classification Definitions 2015. Collection method: clinical testing. Allele origin: germline. Observed: 2 variant alleles, 2 heterozygotes.

Counsyl
Classification: Uncertain significance for Biotinidase deficiency. Last evaluated: 2017-07-17. Review status: no assertion criteria provided. Collection method: clinical testing. Allele origin: unknown. Not counted in ClinVar's aggregate classification.

Literature cited by the submitters: PubMed 11865279 (cited by 3 submitters); PubMed 9396567 (cited by 3 submitters); PubMed 17185019 (cited by Labcorp Genetics (formerly Invitae), Labcorp).